The following is an entry in ClinVar:

Conditions:
Breast-ovarian cancer, familial, susceptibility to, 1 (BROVCA1). Also called: BRCA1 Hereditary Breast and Ovarian Cancer; OVARIAN CANCER, SUSCEPTIBILITY TO. Identifiers: Orphanet 145, MedGen C2676676, MONDO:0011450, OMIM 604370. Disease mechanism: loss of function.

Submission:

Brotman Baty Institute, University of Washington
No classification provided (evidence only). Condition: Breast-ovarian cancer, familial 1. Review status: no classification provided. Collection method: in vitro. Allele origin: not applicable. Functional consequence: functionally_normal.
ClinVar note: "not provided" was previously submitted as the classification for the variant. However, the classification appeared to be based only on an observation of functional data so it was converted to no classification on 2025-07-30.

NM_007294.4(BRCA1):c.149A>C (p.Lys50Thr)

Gene: BRCA1 (BRCA1 DNA repair associated; minus strand). Cytogenetic location: 17q21.31.
Variant type: single nucleotide variant.
Coding change: c.149A>C on transcript NM_007294.4 (MANE Select); coding-DNA position 149, A replaced by C.
Protein change: p.Lys50Thr; replaces lysine 50 with threonine.
Molecular consequence: missense variant. On other transcripts: non-coding transcript variant (1).
Genome position (GRCh38, 1-based): chr17:43,106,519, T>G on the plus strand (A>C on the coding strand, the complement: BRCA1 is on the minus strand). VCF-style: chr17-43106519-T-G. GRCh37 (hg19) VCF-style: chr17-41258536-T-G.
Other names: c.8A>C, p.Lys3Thr (NM_001407932.1, NM_001407933.1, NM_001407934.1 and 99 more transcripts); c.149A>C, p.Lys50Thr (NM_001407937.1, NM_001407938.1, NM_001407939.1 and 168 more transcripts); c.-40A>C (NM_001407946.1, NM_001407947.1, NM_001407948.1 and 58 more transcripts); short protein forms K3T, K50T.
Identifiers: ClinVar variation 868224 (VCV000868224.3), dbSNP rs2054791529, ClinGen allele CA10601859.